The following is an entry in ClinVar:

NM_016648.4(LARP7):c.377_378del (p.Thr126fs)

Gene: LARP7 (La ribonucleoprotein 7, transcriptional regulator; plus strand). Cytogenetic location: 4q25.
Variant type: Microsatellite.
Coding change: c.377_378del on transcript NM_016648.4 (MANE Select); coding-DNA positions 377 to 378, 2 bases deleted (CA; older notation c.377_378delCA).
Protein change: p.Thr126fs; shifts the reading frame from threonine 126.
Molecular consequence: frameshift variant.
Genome position (GRCh38, 1-based): chr4:112,646,661-112,646,662, CA deleted; deleting any 2 consecutive bases within chr4:112,646,659-112,646,662 gives the same sequence; the c. name uses the placement nearest the transcript's 3' end. VCF-style (leftmost placement, unchanged base first): chr4-112646658-GCA-G. GRCh37 (hg19) VCF-style: chr4-113567814-GCA-G.
Other names: c.377_378del, p.Thr126fs (NM_015454.3, NM_001267039.4, NM_001370974.1 and 6 more transcripts); c.140_141del, p.Thr47fs (NM_001370981.1, NM_001370982.1); short protein forms T47fs, T126fs.
Identifiers: ClinVar variation 1986316 (VCV001986316.6), dbSNP rs746835434, ClinGen allele CA3049051.

ClinVar aggregate classification (germline): Pathogenic. Review status: criteria provided, multiple submitters, no conflicts (2 of 4 stars). 3 submissions from 3 submitters: Pathogenic (3). Last evaluated 2025-02-16.

Conditions:
Microcephalic primordial dwarfism, Alazami type. Also called: Alazami syndrome; FACIAL DYSMORPHISM, INTELLECTUAL DISABILITY, AND PRIMORDIAL DWARFISM. Identifiers: Orphanet 319671, MedGen C3554439, MONDO:0014031, OMIM 615071.

Submissions (3):

Laboratory of Genetics, Children's Clinical University Hospital Latvia
Classification: Pathogenic. Last evaluated: 2025-02-16. Review status: criteria provided, single submitter. Criteria: ACMG Guidelines, 2015. Collection method: clinical testing. Allele origin: germline. Affected: yes.

Labcorp Genetics (formerly Invitae), Labcorp
Classification: Pathogenic. Last evaluated: 2023-12-01. Review status: criteria provided, single submitter. Criteria: Invitae Variant Classification Sherloc (09022015). Collection method: clinical testing. Allele origin: germline.
Comment: This sequence change creates a premature translational stop signal (p.Thr126Serfs*11) in the LARP7 gene. It is expected to result in an absent or disrupted protein product. Loss-of-function variants in LARP7 are known to be pathogenic (PMID: 22865833, 26374271, 26607181). This variant is present in population databases (rs746835434, gnomAD 0.007%). This variant has not been reported in the literature in individuals affected with LARP7-related conditions. For these reasons, this variant has been classified as Pathogenic.

Kariminejad - Najmabadi Pathology & Genetics Center
Classification: Pathogenic for Microcephalic primordial dwarfism, Alazami type. Review status: criteria provided, single submitter. Criteria: ACMG Guidelines, 2015. Collection method: clinical testing. Allele origin: germline. Affected: no.

Literature cited by the submitters: PubMed 22865833 (cited by Labcorp Genetics (formerly Invitae), Labcorp); PubMed 26374271 (cited by Labcorp Genetics (formerly Invitae), Labcorp); PubMed 26607181 (cited by Labcorp Genetics (formerly Invitae), Labcorp).